The following is an entry in ClinVar:

NM_000059.4(BRCA2):c.9386_9387insCTGATTTGGACCACT (p.Pro3129_Glu3130insTer)

Gene: BRCA2 (BRCA2 DNA repair associated; plus strand). Cytogenetic location: 13q13.1.
Variant type: Insertion.
Coding change: c.9386_9387insCTGATTTGGACCACT on transcript NM_000059.4 (MANE Select); coding-DNA positions 9386 to 9387, CTGATTTGGACCACT inserted.
Protein change: p.Pro3129_Glu3130insTer.
Molecular consequence: nonsense, inframe insertion.
Genome position: GRCh38 VCF-style: chr13-32394818-C-CCTGATTTGGACCACT. GRCh37 (hg19) VCF-style: chr13-32968955-C-CCTGATTTGGACCACT.
Identifiers: ClinVar variation 548360 (VCV000548360.1), dbSNP rs1555289575, ClinGen allele CA658823576.

ClinVar aggregate classification (germline): Pathogenic (3 of 4 stars; one submission).

Conditions:
Breast-ovarian cancer, familial, susceptibility to, 2 (BROVCA2). Also called: BRCA2 Hereditary Breast and Ovarian Cancer. Identifiers: Orphanet 145, MedGen C2675520, MONDO:0012933, OMIM 612555. Disease mechanism: loss of function.

Submission:

Evidence-based Network for the Interpretation of Germline Mutant Alleles (ENIGMA)
Classification: Pathogenic for Breast-ovarian cancer, familial, susceptibility to, 2. Last evaluated: 2017-12-15. Review status: reviewed by expert panel. Criteria: ENIGMA BRCA1/2 Classification Criteria (2017-06-29). Collection method: curation. Allele origin: germline. Study: ENIGMA.
Comment: Variant allele predicted to encode a truncated non-functional protein.